The following is an entry in ClinVar:

ClinVar aggregate classification (germline): Uncertain significance (1 of 4 stars; one submission).

Submission:

Labcorp Genetics (formerly Invitae), Labcorp
Classification: Uncertain significance. Last evaluated: 2022-06-01. Review status: criteria provided, single submitter. Criteria: Invitae Variant Classification Sherloc (09022015). Collection method: clinical testing. Allele origin: germline.
Comment: This sequence change replaces glutamic acid, which is acidic and polar, with lysine, which is basic and polar, at codon 206 of the ADAMTS17 protein (p.Glu206Lys). This variant also falls at the last nucleotide of exon 3, which is part of the consensus splice site for this exon. In summary, the available evidence is currently insufficient to determine the role of this variant in disease. Therefore, it has been classified as a Variant of Uncertain Significance. Variants that disrupt the consensus splice site are a relatively common cause of aberrant splicing (PMID: 17576681, 9536098). Algorithms developed to predict the effect of sequence changes on RNA splicing suggest that this variant may disrupt the consensus splice site. Algorithms developed to predict the effect of missense changes on protein structure and function are either unavailable or do not agree on the potential impact of this missense change (SIFT: "Not Available"; PolyPhen-2: "Benign"; Align-GVGD: "Not Available"). This variant has not been reported in the literature in individuals affected with ADAMTS17-related conditions. This variant is not present in population databases (gnomAD no frequency).

Literature cited by the submitters: PubMed 17576681; PubMed 9536098.

NM_139057.4(ADAMTS17):c.616G>A (p.Glu206Lys)

Gene: ADAMTS17 (ADAM metallopeptidase with thrombospondin type 1 motif 17; minus strand). Cytogenetic location: 15q26.3.
Variant type: single nucleotide variant.
Coding change: c.616G>A on transcript NM_139057.4 (MANE Select); coding-DNA position 616, G replaced by A.
Protein change: p.Glu206Lys; replaces glutamic acid 206 with lysine.
Molecular consequence: missense variant.
Genome position (GRCh38, 1-based): chr15:100,330,889, C>T on the plus strand (G>A on the coding strand, the complement: ADAMTS17 is on the minus strand). VCF-style: chr15-100330889-C-T. GRCh37 (hg19) VCF-style: chr15-100871094-C-T.
Other names: short protein forms E206K.
Identifiers: ClinVar variation 1997937 (VCV001997937.4), dbSNP rs2548964360, ClinGen allele CA394521110.